The following is an entry in ClinVar:

NM_001347721.2(DYRK1A):c.301-2A>C

Gene: DYRK1A (dual specificity tyrosine phosphorylation regulated kinase 1A; plus strand). Cytogenetic location: 21q22.13.
Variant type: single nucleotide variant.
Coding change: c.301-2A>C on transcript NM_001347721.2 (MANE Select); the canonical splice acceptor site of the intron before coding-DNA position 301, A replaced by C.
Molecular consequence: splice acceptor variant.
Genome position (GRCh38, 1-based): chr21:37,480,636, A>C. VCF-style: chr21-37480636-A-C. GRCh37 (hg19) VCF-style: chr21-38852938-A-C.
Other names: c.328-2A>C (NM_001396.5, NM_101395.2, NM_130438.2); c.301-2A>C (NM_001347722.2, NM_130436.2); c.214-2A>C (NM_001347723.2).
Identifiers: ClinVar variation 2023660 (VCV002023660.4), dbSNP rs2052604858, ClinGen allele CA409943881.

ClinVar aggregate classification (germline): Likely pathogenic (1 of 4 stars; one submission).

Conditions:
DYRK1A-related intellectual disability syndrome (MRD7). Also called: DYRK1A Syndrome; Intellectual developmental disorder, autosomal dominant 7. Identifiers: Orphanet 464306, MedGen C5568143, MONDO:0013578, OMIM 614104.

Submission:

Labcorp Genetics (formerly Invitae), Labcorp
Classification: Likely pathogenic for DYRK1A-related intellectual disability syndrome. Last evaluated: 2022-11-08. Review status: criteria provided, single submitter. Criteria: Invitae Variant Classification Sherloc (09022015). Collection method: clinical testing. Allele origin: germline.
Comment: In summary, the currently available evidence indicates that the variant is pathogenic, but additional data are needed to prove that conclusively. Therefore, this variant has been classified as Likely Pathogenic. Algorithms developed to predict the effect of sequence changes on RNA splicing suggest that this variant may disrupt the consensus splice site. This variant has not been reported in the literature in individuals affected with DYRK1A-related conditions. This variant is not present in population databases (gnomAD no frequency). This sequence change affects an acceptor splice site in intron 3 of the DYRK1A gene. It is expected to disrupt RNA splicing. Variants that disrupt the donor or acceptor splice site typically lead to a loss of protein function (PMID: 16199547), and loss-of-function variants in DYRK1A are known to be pathogenic (PMID: 25944381).

Literature cited by the submitters: PubMed 16199547; PubMed 25944381.